The following is an entry in ClinVar:

NM_015030.2(FRYL):c.1749G>C (p.Arg583Ser)

Gene: FRYL (FRY like transcription coactivator; minus strand). Cytogenetic location: 4p11.
Variant type: single nucleotide variant.
Coding change: c.1749G>C on transcript NM_015030.2 (MANE Select); coding-DNA position 1749, G replaced by C.
Protein change: p.Arg583Ser; replaces arginine 583 with serine.
Molecular consequence: missense variant.
Genome position (GRCh38, 1-based): chr4:48,582,734, C>G on the plus strand (G>C on the coding strand, the complement: FRYL is on the minus strand). VCF-style: chr4-48582734-C-G. GRCh37 (hg19) VCF-style: chr4-48584751-C-G.
Other names: short protein forms R583S.
Identifiers: ClinVar variation 4880967 (VCV004880967.2).

ClinVar aggregate classification (germline): Uncertain significance (1 of 4 stars; one submission).

Submission:

Dasa
Classification: Uncertain significance. Last evaluated: 2025-06-25. Review status: criteria provided, single submitter. Criteria: DASA Assertion Criteria. Collection method: clinical testing. Allele origin: germline.
Comment: NM_015030.2(FRYL):c.1749G>C (p.Arg583Ser) is a missense variant that results in the substitution of arginine with serine. This variant is absent from population databases. Computational prediction algorithms are consistent with a benign effect. The currently available literature and clinical evidence are not sufficient to establish a definitive association between this variant and the reported condition. Therefore, this variant is classified as a variant of uncertain significance.